The following is an entry in ClinVar:

NM_172364.5(CACNA2D4):c.993G>A (p.Ala331=)

Gene: CACNA2D4 (calcium voltage-gated channel auxiliary subunit alpha2delta 4; minus strand). Cytogenetic location: 12p13.33.
Variant type: single nucleotide variant.
Coding change: c.993G>A on transcript NM_172364.5 (MANE Select); coding-DNA position 993, G replaced by A.
Protein change: p.Ala331=; no amino-acid change (alanine 331 retained).
Molecular consequence: synonymous variant.
Genome position (GRCh38, 1-based): chr12:1,886,223, C>T on the plus strand (G>A on the coding strand, the complement: CACNA2D4 is on the minus strand). VCF-style: chr12-1886223-C-T. GRCh37 (hg19) VCF-style: chr12-1995389-C-T.
Identifiers: ClinVar variation 1414039 (VCV001414039.7), dbSNP rs775365422, ClinGen allele CA6387339.
Genomic context (GRCh38, chr12:1,886,223, plus strand): 5'-TACCTGTGTATGATTTCTAGAGCAAGTGAGAGCTATTCTAGAACAGGAAGGCACATTTAC[C>T]GCTATGATATTAATGAAGTCATTCTCCCCCAGGGTGTCCAAGATGGTGGTGATGGTGTGC-3'
Protein context (NP_758952.4, residues 321-341): LGENDFINII[Ala331=]YNDYVHYIEP

ClinVar aggregate classification (germline): Uncertain significance. Review status: criteria provided, multiple submitters, no conflicts (2 of 4 stars). 2 submissions from 2 submitters: Uncertain significance (2). Last evaluated 2021-10-29.

Allele frequency attached by ClinVar (database versions not stated): gnomAD 0.00001 and 0.00002; gnomAD exomes 0.00002 and 0.00004; TOPMed 0.00003; ExAC 0.00004.
gnomAD v4.1: 37 of 1,612,414 alleles (0.0023%); highest among the groups gnomAD compares: South Asian, 0.027%; no homozygotes.

Submissions (2):

Blueprint Genetics
Classification: Uncertain significance. Last evaluated: 2021-10-29. Review status: criteria provided, single submitter. Criteria: ACMG Guidelines, 2015. Collection method: clinical testing. Allele origin: germline.

Labcorp Genetics (formerly Invitae), Labcorp
Classification: Uncertain significance. Last evaluated: 2020-12-21. Review status: criteria provided, single submitter. Criteria: Invitae Variant Classification Sherloc (09022015). Collection method: clinical testing. Allele origin: germline.
Comment: In summary, the available evidence is currently insufficient to determine the role of this variant in disease. Therefore, it has been classified as a Variant of Uncertain Significance. Nucleotide substitutions within the consensus splice site are a relatively common cause of aberrant splicing (PMID: 17576681, 9536098). Algorithms developed to predict the effect of sequence changes on RNA splicing suggest that this variant may disrupt the consensus splice site, but this prediction has not been confirmed by published transcriptional studies. This variant has not been reported in the literature in individuals with CACNA2D4-related conditions. This variant is present in population databases (rs775365422, ExAC 0.03%). This sequence change affects codon 331 of the CACNA2D4 mRNA. It is a 'silent' change, meaning that it does not change the encoded amino acid sequence of the CACNA2D4 protein. This variant also falls at the last nucleotide of exon 8, which is part of the consensus splice site for this exon.

Literature cited by the submitters: PubMed 17576681 (cited by Labcorp Genetics (formerly Invitae), Labcorp); PubMed 9536098 (cited by Labcorp Genetics (formerly Invitae), Labcorp).